The following is an entry in ClinVar:

ClinVar aggregate classification (germline): Uncertain significance (1 of 4 stars; one submission).

Allele frequency attached by ClinVar (database versions not stated): gnomAD 0.00001.
gnomAD v4.1: 1 of 1,613,518 alleles (0.000062%); highest among the groups gnomAD compares: Non-Finnish European, 0.000085%; no homozygotes.

Submission:

Labcorp Genetics (formerly Invitae), Labcorp
Classification: Uncertain significance. Last evaluated: 2023-04-02. Review status: criteria provided, single submitter. Criteria: Invitae Variant Classification Sherloc (09022015). Collection method: clinical testing. Allele origin: germline.
Comment: This variant has not been reported in the literature in individuals affected with ACTN4-related conditions. An algorithm developed to predict the effect of missense changes on protein structure and function (PolyPhen-2) suggests that this variant is likely to be tolerated. In summary, the available evidence is currently insufficient to determine the role of this variant in disease. Therefore, it has been classified as a Variant of Uncertain Significance. This variant is present in population databases (no rsID available, gnomAD 0.0009%). This sequence change replaces alanine, which is neutral and non-polar, with valine, which is neutral and non-polar, at codon 274 of the ACTN4 protein (p.Ala274Val).

NM_004924.6(ACTN4):c.821C>T (p.Ala274Val)

Gene: ACTN4 (actinin alpha 4; plus strand). Cytogenetic location: 19q13.2.
Variant type: single nucleotide variant.
Coding change: c.821C>T on transcript NM_004924.6 (MANE Select); coding-DNA position 821, C replaced by T.
Protein change: p.Ala274Val; replaces alanine 274 with valine.
Molecular consequence: missense variant.
Genome position (GRCh38, 1-based): chr19:38,714,470, C>T. VCF-style: chr19-38714470-C-T. GRCh37 (hg19) VCF-style: chr19-39205110-C-T.
Other names: c.821C>T, p.Ala274Val (NM_001322033.2, NM_001411143.1); short protein forms A274V.
Identifiers: ClinVar variation 2851553 (VCV002851553.3), dbSNP rs1285757011, ClinGen allele CA405700745.
Genomic context (GRCh38, chr19:38,714,470, plus strand): 5'-CCCGTCAGGAGGGAGGGTGGCCAGCCCCCAGGCAGCCCTGACTGTGTGCTCCCCTCCAGG[C>T]TGAAACTGCCGCCAACCGGATCTGTAAGGTGCTGGCTGTCAACCAAGAGAACGAGCACCT-3'
Protein context (NP_004915.2, residues 264-284): FYHAFSGAQK[Ala274Val]ETAANRICKV